The following is an entry in ClinVar:

ClinVar aggregate classification (germline): Uncertain significance (1 of 4 stars; one submission).

Allele frequency attached by ClinVar (database versions not stated): ExAC 0.00002; gnomAD exomes 0.00002.
gnomAD v4.1: 20 of 1,614,154 alleles (0.0012%); highest among the groups gnomAD compares: South Asian, 0.011%; no homozygotes.

Submission:

Labcorp Genetics (formerly Invitae), Labcorp
Classification: Uncertain significance. Last evaluated: 2023-05-22. Review status: criteria provided, single submitter. Criteria: Invitae Variant Classification Sherloc (09022015). Collection method: clinical testing. Allele origin: germline.
Comment: In summary, the available evidence is currently insufficient to determine the role of this variant in disease. Therefore, it has been classified as a Variant of Uncertain Significance. An algorithm developed to predict the effect of missense changes on protein structure and function (PolyPhen-2) suggests that this variant is likely to be disruptive. ClinVar contains an entry for this variant (Variation ID: 1413826). This variant has not been reported in the literature in individuals affected with CXCR2-related conditions. This variant is present in population databases (rs759555888, gnomAD 0.006%). This sequence change replaces arginine, which is basic and polar, with histidine, which is basic and polar, at codon 144 of the CXCR2 protein (p.Arg144His).

NM_001557.4(CXCR2):c.431G>A (p.Arg144His)

Gene: CXCR2 (C-X-C motif chemokine receptor 2; plus strand). Cytogenetic location: 2q35.
Variant type: single nucleotide variant.
Coding change: c.431G>A on transcript NM_001557.4 (MANE Select); coding-DNA position 431, G replaced by A.
Protein change: p.Arg144His; replaces arginine 144 with histidine.
Molecular consequence: missense variant.
Genome position (GRCh38, 1-based): chr2:218,135,232, G>A. VCF-style: chr2-218135232-G-A. GRCh37 (hg19) VCF-style: chr2-218999955-G-A.
Other names: c.431G>A, p.Arg144His (NM_001168298.2); short protein forms R144H.
Identifiers: ClinVar variation 1413826 (VCV001413826.6), dbSNP rs759555888, ClinGen allele CA2101699.